The following is an entry in ClinVar:

NM_018127.7(ELAC2):c.1575C>T (p.Cys525=)

Gene: ELAC2 (elaC ribonuclease Z 2; minus strand). Cytogenetic location: 17p12.
Variant type: single nucleotide variant.
Coding change: c.1575C>T on transcript NM_018127.7 (MANE Select); coding-DNA position 1575, C replaced by T.
Protein change: p.Cys525=; no amino-acid change (cysteine 525 retained).
Molecular consequence: synonymous variant.
Genome position (GRCh38, 1-based): chr17:12,996,631, G>A on the plus strand (C>T on the coding strand, the complement: ELAC2 is on the minus strand). VCF-style: chr17-12996631-G-A. GRCh37 (hg19) VCF-style: chr17-12899948-G-A.
Other names: p.Cys525=; c.1455C>T, p.Cys485= (NM_001165962.2); c.1572C>T, p.Cys524= (NM_173717.2).
Identifiers: ClinVar variation 513736 (VCV000513736.7), dbSNP rs140487151, ClinGen allele CA8401149.

ClinVar aggregate classification (germline): Likely benign. Review status: criteria provided, multiple submitters, no conflicts (2 of 4 stars). 3 submissions from 3 submitters: Likely benign (3). Last evaluated 2026-01-04.

Conditions:
Combined oxidative phosphorylation defect type 17. Also called: Combined oxidative phosphorylation deficiency 17. Identifiers: Orphanet 369913, MedGen C3809526, MONDO:0014190, OMIM 615440.

Allele frequency attached by ClinVar (database versions not stated): gnomAD exomes 0.00002 and 0.00006; ExAC 0.00006; 1000 Genomes Project 0.00020; ESP Exome Variant Server 0.00023; gnomAD 0.00025 and 0.00028; TOPMed 0.00037; 1000 Genomes Project 30x 0.00047.
gnomAD v4.1: 69 of 1,614,006 alleles (0.0043%); highest among the groups gnomAD compares: African/African-American, 0.048%; no homozygotes.

Submissions (3):

Labcorp Genetics (formerly Invitae), Labcorp
Classification: Likely benign for Combined oxidative phosphorylation defect type 17. Last evaluated: 2026-01-04. Review status: criteria provided, single submitter. Criteria: Invitae Variant Classification Sherloc (09022015). Collection method: clinical testing. Allele origin: germline.

Mayo Clinic Laboratories, Mayo Clinic
Classification: Likely benign. Last evaluated: 2025-09-30. Review status: criteria provided, single submitter. Criteria: ACMG Guidelines, 2015. Collection method: clinical testing. Allele origin: germline. Observed: 3 variant alleles.
Comment: BP4, BP7

GeneDx
Classification: Likely benign. Last evaluated: 2017-12-13. Review status: criteria provided, single submitter. Criteria: GeneDx Variant Classification (06012015). Collection method: clinical testing. Allele origin: germline. Affected: yes.
Comment: This variant is considered likely benign or benign based on one or more of the following criteria: it is a conservative change, it occurs at a poorly conserved position in the protein, it is predicted to be benign by multiple in silico algorithms, and/or has population frequency not consistent with disease.